The following is an entry in ClinVar:

NM_000322.5(PRPH2):c.556G>A (p.Asp186Asn)

Gene: PRPH2 (peripherin 2; minus strand). Cytogenetic location: 6p21.1.
Variant type: single nucleotide variant.
Coding change: c.556G>A on transcript NM_000322.5 (MANE Select); coding-DNA position 556, G replaced by A.
Protein change: p.Asp186Asn; replaces aspartic acid 186 with asparagine.
Molecular consequence: missense variant.
Genome position (GRCh38, 1-based): chr6:42,721,779, C>T on the plus strand (G>A on the coding strand, the complement: PRPH2 is on the minus strand). VCF-style: chr6-42721779-C-T. GRCh37 (hg19) VCF-style: chr6-42689517-C-T.
Other names: short protein forms D186N.
Identifiers: ClinVar variation 1175258 (VCV001175258.10), dbSNP rs2152010859, ClinGen allele CA364137245.

ClinVar aggregate classification (germline): Pathogenic/Likely pathogenic. Review status: criteria provided, multiple submitters, no conflicts (2 of 4 stars). 3 submissions from 3 submitters: Pathogenic (1); Likely pathogenic (1). 1 of the submissions does not count toward it. Last evaluated 2025-02-27.

Conditions:
PRPH2-related disorder. Also called: PRPH2-related disorders; PRPH2-related condition. Identifiers: MedGen CN239395.

Submissions (3):

3billion
Classification: Likely pathogenic for PRPH2-related disorder. Last evaluated: 2025-02-27. Review status: criteria provided, single submitter. Criteria: ACMG Guidelines, 2015. Collection method: clinical testing. Allele origin: germline. Affected: yes.
Comment: The variant is not observed in the gnomAD v4.1.0 dataset. Predicted Consequence/Location: The variant is located in a mutational hot spot and/or well-established functional domain in which established pathogenic variants have been reported (PMID: 38474159). In silico tool predictions suggest damaging effect of the variant on gene or gene product [3Cnet: 0.97 (> 0.75, sensitivity 0.96 and precision 0.92)]. The same nucleotide change resulting in the same amino acid change has been previously reported to be associated with PRPH2-related disorder (ClinVar ID: VCV001175258 /PMID: 21405999). A different missense change at the same codon (p.Asp186Gly) has been reported to be associated with PRPH2-related disorder (ClinVar ID: VCV001490757). Therefore, this variant is classified as Likely pathogenic according to the recommendation of ACMG/AMP guideline.

Labcorp Genetics (formerly Invitae), Labcorp
Classification: Pathogenic for PRPH2-related disorder. Last evaluated: 2024-09-17. Review status: criteria provided, single submitter. Criteria: Invitae Variant Classification Sherloc (09022015). Collection method: clinical testing. Allele origin: germline.
Comment: This sequence change replaces aspartic acid, which is acidic and polar, with asparagine, which is neutral and polar, at codon 186 of the PRPH2 protein (p.Asp186Asn). This variant is not present in population databases (gnomAD no frequency). This missense change has been observed in individuals with PRPH2-related conditions (PMID: 21405999, 26197217; internal data). It has also been observed to segregate with disease in related individuals. ClinVar contains an entry for this variant (Variation ID: 1175258). Invitae Evidence Modeling of protein sequence and biophysical properties (such as structural, functional, and spatial information, amino acid conservation, physicochemical variation, residue mobility, and thermodynamic stability) has been performed for this missense variant. However, the output from this modeling did not meet the statistical confidence thresholds required to predict the impact of this variant on PRPH2 protein function. For these reasons, this variant has been classified as Pathogenic.

Leiden Open Variation Database
Classification: Uncertain significance. Last evaluated: 2021-04-06. Review status: no assertion criteria provided. Collection method: curation. Allele origin: germline. Affected: yes. Not counted in ClinVar's aggregate classification.
Comment: Curator: Global Variome, with Curator vacancy. Submitter to LOVD: Manon Peeters.

Literature cited by the submitters: PubMed 21405999 (cited by 3billion and Labcorp Genetics (formerly Invitae), Labcorp); PubMed 26197217 (cited by Labcorp Genetics (formerly Invitae), Labcorp and Leiden Open Variation Database); PubMed 22183351 (cited by Leiden Open Variation Database); PubMed 29847639 (cited by Leiden Open Variation Database).